The following is an entry in ClinVar:

ClinVar aggregate classification (germline): Likely pathogenic (1 of 4 stars; one submission).

Conditions:
PLG-related disorder. Also called: PLG-related condition.

Submission:

PreventionGenetics, part of Exact Sciences
Classification: Likely pathogenic for PLG-related condition. Last evaluated: 2022-11-17. Review status: criteria provided, single submitter. Criteria: ACMG Guidelines, 2015. Collection method: clinical testing. Allele origin: germline.
Comment: The PLG c.1265dupC variant is predicted to result in a frameshift and premature protein termination (p.Met423Asnfs*11). To our knowledge, this variant has not been reported in the literature or in a large population database, indicating this variant is rare. Frameshift variants in PLG are expected to be pathogenic. This variant is interpreted as likely pathogenic.

NM_000301.5(PLG):c.1265dup (p.Met423fs)

Gene: PLG (plasminogen; plus strand). Cytogenetic location: 6q26.
Variant type: Duplication.
Coding change: c.1265dup on transcript NM_000301.5 (MANE Select); coding-DNA position 1265, one base duplicated (C; older notation c.1265dupC).
Protein change: p.Met423fs; shifts the reading frame from methionine 423.
Molecular consequence: frameshift variant.
Genome position (GRCh38, 1-based): chr6:160,731,059, C duplicated. VCF-style (leftmost placement, unchanged base first): chr6-160731058-A-AC. GRCh37 (hg19) VCF-style: chr6-161152090-A-AC.
Other names: c.1265dupC (NM_000301.3); short protein forms M423fs.
Identifiers: ClinVar variation 2635544 (VCV002635544.1), dbSNP rs2484376042, ClinGen allele CA2578790848.